The following is an entry in ClinVar:

ClinVar aggregate classification (germline): Uncertain significance. Review status: criteria provided, multiple submitters, no conflicts (2 of 4 stars). 4 submissions from 4 submitters: Uncertain significance (4). Last evaluated 2025-02-25.

Conditions:
Inborn genetic diseases. Identifiers: MedGen C0950123, MeSH D030342.
Microcephaly 5, primary, autosomal recessive (MCPH5). Also called: ASPM Primary Microcephaly. Identifiers: Orphanet 2512, MedGen C1837501, MONDO:0012106, OMIM 608716.

gnomAD v4.1: 53 of 1,612,940 alleles (0.0033%); highest among the groups gnomAD compares: East Asian, 0.011%; no homozygotes.

Submissions (4):

Ambry Genetics
Classification: Uncertain significance for Inborn genetic diseases. Last evaluated: 2025-02-25. Review status: criteria provided, single submitter. Criteria: Ambry Variant Classification Scheme 2023. Collection method: clinical testing. Allele origin: germline.

Labcorp Genetics (formerly Invitae), Labcorp
Classification: Uncertain significance. Last evaluated: 2024-11-05. Review status: criteria provided, single submitter. Criteria: Invitae Variant Classification Sherloc (09022015). Collection method: clinical testing. Allele origin: germline.
Comment: This sequence change replaces arginine, which is basic and polar, with histidine, which is basic and polar, at codon 1531 of the ASPM protein (p.Arg1531His). This variant is present in population databases (rs200681905, gnomAD 0.02%). This variant has not been reported in the literature in individuals affected with ASPM-related conditions. ClinVar contains an entry for this variant (Variation ID: 1336267). Invitae Evidence Modeling of protein sequence and biophysical properties (such as structural, functional, and spatial information, amino acid conservation, physicochemical variation, residue mobility, and thermodynamic stability) indicates that this missense variant is not expected to disrupt ASPM protein function with a negative predictive value of 80%. In summary, the available evidence is currently insufficient to determine the role of this variant in disease. Therefore, it has been classified as a Variant of Uncertain Significance.

Genome-Nilou Lab
Classification: Uncertain significance for Microcephaly 5, primary, autosomal recessive. Last evaluated: 2023-04-11. Review status: criteria provided, single submitter. Criteria: ACMG Guidelines, 2015. Collection method: clinical testing. Allele origin: germline. Affected: no.

Genetic Services Laboratory, University of Chicago
Classification: Uncertain significance. Last evaluated: 2017-09-22. Review status: criteria provided, single submitter. Criteria: ACMG Guidelines, 2015. Collection method: clinical testing. Allele origin: germline. Affected: no.

NM_018136.5(ASPM):c.4592G>A (p.Arg1531His)

Gene: ASPM (assembly factor for spindle microtubules; minus strand). Cytogenetic location: 1q31.3.
Variant type: single nucleotide variant.
Coding change: c.4592G>A on transcript NM_018136.5 (MANE Select); coding-DNA position 4592, G replaced by A.
Protein change: p.Arg1531His; replaces arginine 1531 with histidine.
Molecular consequence: missense variant. On other transcripts: intron variant (1).
Genome position (GRCh38, 1-based): chr1:197,104,659, C>T on the plus strand (G>A on the coding strand, the complement: ASPM is on the minus strand). VCF-style: chr1-197104659-C-T. GRCh37 (hg19) VCF-style: chr1-197073789-C-T.
Other names: c.4066-8495G>A (NM_001206846.2); short protein forms R1531H.
Identifiers: ClinVar variation 1336267 (VCV001336267.9), dbSNP rs200681905, ClinGen allele CA1309898.
Genomic context (GRCh38, chr1:197,104,659, plus strand): 5'-AGTCTCCTAAAAGCAGCTTGTAATTGAATGGCTGCAGCTCGTTTCTGCAAATAGTTGGTG[C>T]GCTCAATCTTTCCTTTCAGATATGCTTTGTAGTACTTCTGGATGGTTAGTATGGACTCTT-3'
Protein context (NP_060606.3, residues 1521-1541): YKAYLKGKIE[Arg1531His]TNYLQKRAAA